The following is an entry in ClinVar:

ClinVar aggregate classification (germline): not provided (0 of 4 stars; one submission).

Submission:

Human Evolutionary Genetics, Institut Pasteur
No classification provided. Review status: no classification provided. Collection method: not provided. Allele origin: germline.
ClinVar note: Converted during submission from untested to not provided.

NM_001243133.2(NLRP3):c.3082dup (p.Val1028fs)

Gene: NLRP3 (NLR family pyrin domain containing 3; plus strand). Cytogenetic location: 1q44.
Variant type: Duplication.
Coding change: c.3082dup on transcript NM_001243133.2 (MANE Select); coding-DNA position 3082, one base duplicated (G; older notation c.3082dupG).
Protein change: p.Val1028fs; shifts the reading frame from valine 1028.
Molecular consequence: frameshift variant.
Genome position (GRCh38, 1-based): chr1:247,448,481, G duplicated. VCF-style (leftmost placement, unchanged base first): chr1-247448480-C-CG. GRCh37 (hg19) VCF-style: chr1-247611782-C-CG.
Other names: c.3082dup, p.Val1028fs (NM_001079821.3); c.2911dup, p.Val971fs (NM_001127461.3, NM_001127462.3); c.3088dup, p.Val1030fs (NM_004895.5); c.2740dup, p.Val914fs (NM_183395.3); short protein forms V1028fs, V1030fs, V914fs, V971fs.
Identifiers: ClinVar variation 103042 (VCV000103042.2), dbSNP rs199475738, ClinGen allele CA230009.